The following is an entry in ClinVar:

ClinVar aggregate classification (germline): Pathogenic (1 of 4 stars; one submission).

Conditions:
Primary hyperoxaluria type 3. Also called: PH III. Identifiers: Orphanet 416, Orphanet 93600, MedGen C3150878, MONDO:0013327, OMIM 613616. Disease mechanism: loss of function.

Submission:

Thalassemia Center, San Luigi University Hospital
Classification: Pathogenic for Primary hyperoxaluria type 3. Last evaluated: 2023-10-27. Review status: criteria provided, single submitter. Criteria: ACMG Guidelines, 2015. Collection method: clinical testing. Allele origin: germline. Affected: yes.
Comment: ACMG:PVS1 PM3 PP3 PP5

NM_138413.4(HOGA1):c.769_770del (p.Cys257fs)

Gene: HOGA1 (4-hydroxy-2-oxoglutarate aldolase 1; plus strand). Cytogenetic location: 10q24.2.
Variant type: Microsatellite.
Coding change: c.769_770del on transcript NM_138413.4 (MANE Select); coding-DNA positions 769 to 770, 2 bases deleted (TG; older notation c.769_770delTG).
Protein change: p.Cys257fs; shifts the reading frame from cysteine 257.
Molecular consequence: frameshift variant.
Genome position (GRCh38, 1-based): chr10:97,601,925-97,601,926, TG deleted; deleting any 2 consecutive bases within chr10:97,601,923-97,601,926 gives the same sequence; the c. name uses the placement nearest the transcript's 3' end. VCF-style (leftmost placement, unchanged base first): chr10-97601922-CTG-C. GRCh37 (hg19) VCF-style: chr10-99361679-CTG-C.
Other names: c.769_770delTG (NM_138413.4); c.280_281del, p.Cys94fs (NM_001134670.2); short protein forms C257fs, C94fs.
Identifiers: ClinVar variation 2671866 (VCV002671866.1), dbSNP rs754306565, ClinGen allele CA5634234.